The following is an entry in ClinVar:

ClinVar aggregate classification (germline): Uncertain significance (1 of 4 stars; one submission).

Conditions:
Familial isolated arrhythmogenic right ventricular dysplasia. Identifiers: Orphanet 217656, MedGen C4274968, MONDO:0016342.

Allele frequency attached by ClinVar (database versions not stated): gnomAD exomes below 0.00001; TOPMed below 0.00001; gnomAD 0.00001.
gnomAD v4.1: 2 of 1,584,554 alleles (0.00013%); highest among the groups gnomAD compares: Middle Eastern, 0.017%; no homozygotes.

Submission:

All of Us Research Program, National Institutes of Health
Classification: Uncertain significance for Familial isolated arrhythmogenic right ventricular dysplasia. Last evaluated: 2023-11-20. Review status: criteria provided, single submitter. Criteria: ACMG Guidelines, 2015. Collection method: clinical testing. Allele origin: germline. Inheritance: Autosomal dominant inheritance. Observed: 1 variant allele, 1 heterozygote.
Comment: This missense variant replaces isoleucine with methionine at codon 26 of the DSC2 protein. Computational prediction suggests that this variant may not impact protein structure and function (internally defined REVEL score threshold <= 0.5, PMID: 27666373). To our knowledge, functional studies have not been reported for this variant. This variant has not been reported in individuals affected with cardiovascular disorders in the literature. This variant has not been identified in the general population by the Genome Aggregation Database (gnomAD). The available evidence is insufficient to determine the role of this variant in disease conclusively. Therefore, this variant is classified as a Variant of Uncertain Significance.

This study involves interpretation of variants in research participants for the purpose of population health screening. Participant phenotype was not available at the time of variant classification. Additional details can be found in publication PMID: 35346344, PMCID: PMC8962531

NM_024422.6(DSC2):c.78A>G (p.Ile26Met)

Gene: DSC2 (desmocollin 2; minus strand). Cytogenetic location: 18q12.1.
Variant type: single nucleotide variant.
Coding change: c.78A>G on transcript NM_024422.6 (MANE Select); coding-DNA position 78, A replaced by G.
Protein change: p.Ile26Met; replaces isoleucine 26 with methionine.
Molecular consequence: missense variant. On other transcripts: 5 prime UTR variant (2).
Genome position (GRCh38, 1-based): chr18:31,093,635, T>C on the plus strand (A>G on the coding strand, the complement: DSC2 is on the minus strand). VCF-style: chr18-31093635-T-C. GRCh37 (hg19) VCF-style: chr18-28673598-T-C.
Other names: c.-352A>G (NM_001406506.1, NM_001406507.1); c.78A>G, p.Ile26Met (NM_004949.5); short protein forms I26M.
Identifiers: ClinVar variation 3074517 (VCV003074517.1), dbSNP rs1304893383, ClinGen allele CA402115172.